The following is an entry in ClinVar:

NM_000116.5(TAFAZZIN):c.778-63_778-51del

Gene: TAFAZZIN (tafazzin, phospholipid-lysophospholipid transacylase; plus strand). Cytogenetic location: Xq28.
Variant type: Microsatellite.
Coding change: c.778-63_778-51del on transcript NM_000116.5 (MANE Select); 63 bases into the intron before coding-DNA position 778 through 51 bases into the intron before coding-DNA position 778, 13 bases deleted (CTCCCAGGGCACC).
Molecular consequence: intron variant.
Genome position (GRCh38, 1-based): chrX:154,420,840-154,420,852, CTCCCAGGGCACC deleted; deleting any 13 consecutive bases within chrX:154,420,823-154,420,852 gives the same sequence; the c. name uses the placement nearest the transcript's 3' end. VCF-style (leftmost placement, unchanged base first): chrX-154420822-TCACCCTCCCAGGG-T. GRCh37 (hg19) VCF-style: chrX-153649161-TCACCCTCCCAGGG-T.
Other names: c.778-63_778-51del13 (NM_000116.4); c.790-63_790-51del (NM_001303465.2); c.736-63_736-51del (NM_181312.4); c.688-63_688-51del (NM_181311.4); c.646-63_646-51del (NM_181313.4).
Identifiers: ClinVar variation 1169713 (VCV001169713.28), dbSNP rs782249471, ClinGen allele CA519278312.

ClinVar aggregate classification (germline): Benign/Likely benign. Review status: criteria provided, multiple submitters, no conflicts (2 of 4 stars). 5 submissions from 5 submitters: Benign (2); Likely benign (2). 1 of the submissions does not count toward it. Last evaluated 2026-07-01.

Conditions:
TAFAZZIN-related disorder. Also called: TAFAZZIN-related condition; TAFAZZIN-Related Disorders.
3-Methylglutaconic aciduria type 2 (BTHS). Also called: CARDIOSKELETAL MYOPATHY WITH NEUTROPENIA AND ABNORMAL MITOCHONDRIA; Barth syndrome. Identifiers: Orphanet 111, MedGen C0574083, MONDO:0010543, OMIM 302060.

Submissions (5):

CeGaT Center for Human Genetics Tuebingen
Classification: Likely benign. Last evaluated: 2026-07-01. Review status: criteria provided, single submitter. Criteria: CeGaT Center For Human Genetics Tuebingen Variant Classification Criteria Version 2. Collection method: clinical testing. Allele origin: germline. Affected: yes. Observed: 2 variant alleles.
Comment: TAFAZZIN: BS1

Labcorp Genetics (formerly Invitae), Labcorp
Classification: Benign for 3-Methylglutaconic aciduria type 2. Last evaluated: 2026-01-12. Review status: criteria provided, single submitter. Criteria: Invitae Variant Classification Sherloc (09022015). Collection method: clinical testing. Allele origin: germline.

Blueprint Genetics
Classification: Likely benign. Last evaluated: 2024-11-25. Review status: criteria provided, single submitter. Criteria: ACMG Guidelines, 2015. Collection method: clinical testing. Allele origin: germline.

GeneDx
Classification: Benign. Last evaluated: 2018-10-01. Review status: criteria provided, single submitter. Criteria: GeneDx Variant Classification Process June 2021. Collection method: clinical testing. Allele origin: germline. Affected: yes.

PreventionGenetics, part of Exact Sciences
Classification: Likely benign for TAFAZZIN-related condition. Last evaluated: 2020-03-13. Review status: no assertion criteria provided. Collection method: clinical testing. Allele origin: germline. Not counted in ClinVar's aggregate classification.
Comment: This variant is classified as likely benign based on ACMG/AMP sequence variant interpretation guidelines (Richards et al. 2015 PMID: 25741868, with internal and published modifications).